The following is an entry in ClinVar:

NM_001267550.2(TTN):c.50295A>G (p.Lys16765=)

Genes: TTN (titin; minus strand), TTN-AS1 (TTN antisense RNA 1; plus strand). Cytogenetic location: 2q31.2.
Variant type: single nucleotide variant.
Coding change: c.50295A>G on transcript NM_001267550.2 (MANE Select); coding-DNA position 50295, A replaced by G.
Protein change: p.Lys16765=; no amino-acid change (lysine 16765 retained).
Molecular consequence: synonymous variant.
Genome position (GRCh38, 1-based): chr2:178,612,116, T>C on the plus strand (A>G on the coding strand, the complement: TTN is on the minus strand). VCF-style: chr2-178612116-T-C. GRCh37 (hg19) VCF-style: chr2-179476843-T-C.
Other names: c.45372A>G, p.Lys15124= (NM_001256850.1); c.23100A>G, p.Lys7700= (NM_003319.4); c.42591A>G, p.Lys14197= (NM_133378.4); c.23475A>G, p.Lys7825= (NM_133432.3); c.23676A>G, p.Lys7892= (NM_133437.4).
Identifiers: ClinVar variation 5041773 (VCV005041773.1).

ClinVar aggregate classification (germline): Likely benign (1 of 4 stars; one submission).

Submission:

CeGaT Center for Human Genetics Tuebingen
Classification: Likely benign. Last evaluated: 2026-09-01. Review status: criteria provided, single submitter. Criteria: CeGaT Center For Human Genetics Tuebingen Variant Classification Criteria Version 2. Collection method: clinical testing. Allele origin: germline. Affected: yes. Observed: 1 variant allele.
Comment: TTN: PM2:Supporting, BP4, BP7